The following is an entry in ClinVar:

NM_207352.4(CYP4V2):c.1389C>A (p.Gly463=)

Gene: CYP4V2 (cytochrome P450 family 4 subfamily V member 2; plus strand). Cytogenetic location: 4q35.2.
Variant type: single nucleotide variant.
Coding change: c.1389C>A on transcript NM_207352.4 (MANE Select); coding-DNA position 1389, C replaced by A.
Protein change: p.Gly463=; no amino-acid change (glycine 463 retained).
Molecular consequence: synonymous variant.
Genome position (GRCh38, 1-based): chr4:186,209,256, C>A. VCF-style: chr4-186209256-C-A. GRCh37 (hg19) VCF-style: chr4-187130410-C-A.
Identifiers: ClinVar variation 3257503 (VCV003257503.17).
Genomic context (GRCh38, chr4:186,209,256, plus strand): 5'-GTTCTTCCCCGAGAATGCACAAGGGCGCCATCCATATGCCTACGTGCCCTTCTCTGCTGG[C>A]CCCAGGAACTGTATAGGTTTGTATCCATCTGAATTGGTTTGACCTTTCAGGCCCACTTGA-3'
Protein context (NP_997235.3, residues 453-473): HPYAYVPFSA[Gly463=]PRNCIGQKFA

ClinVar aggregate classification (germline): Likely benign (1 of 4 stars; one submission).

gnomAD v4.1: 3 of 1,613,874 alleles (0.00019%); highest among the groups gnomAD compares: Non-Finnish European, 0.00025%; no homozygotes.

Submission:

CeGaT Center for Human Genetics Tuebingen
Classification: Likely benign. Last evaluated: 2024-07-01. Review status: criteria provided, single submitter. Criteria: CeGaT Center For Human Genetics Tuebingen Variant Classification Criteria Version 2. Collection method: clinical testing. Allele origin: germline. Affected: yes. Observed: 1 variant allele.
Comment: CYP4V2: BP4, BP7